The following is an entry in ClinVar:

ClinVar aggregate classification (germline): Likely benign (0 of 4 stars; one submission).

Conditions:
ARSD-related disorder. Also called: ARSD-related condition.

Allele frequency attached by ClinVar (database versions not stated): gnomAD exomes 0.00005; TOPMed 0.00007.
gnomAD v4.1: 64 of 1,173,919 alleles (0.0055%); highest among the groups gnomAD compares: Middle Eastern, 0.049%; no homozygotes.

Submission:

PreventionGenetics, part of Exact Sciences
Classification: Likely benign for ARSD-related condition. Last evaluated: 2020-07-31. Review status: no assertion criteria provided. Collection method: clinical testing. Allele origin: germline.
Comment: This variant is classified as likely benign based on ACMG/AMP sequence variant interpretation guidelines (Richards et al. 2015 PMID: 25741868, with internal and published modifications).

NM_001669.4(ARSD):c.470C>T (p.Ser157Phe)

Gene: ARSD (arylsulfatase D; minus strand). Cytogenetic location: Xp22.33.
Variant type: single nucleotide variant.
Coding change: c.470C>T on transcript NM_001669.4 (MANE Select); coding-DNA position 470, C replaced by T.
Protein change: p.Ser157Phe; replaces serine 157 with phenylalanine.
Molecular consequence: missense variant.
Genome position (GRCh38, 1-based): chrX:2,918,197, G>A on the plus strand (C>T on the coding strand, the complement: ARSD is on the minus strand). VCF-style: chrX-2918197-G-A. GRCh37 (hg19) VCF-style: chrX-2836238-G-A.
Other names: c.470C>T, p.Ser157Phe (NM_009589.5); short protein forms S157F.
Identifiers: ClinVar variation 3059698 (VCV003059698.2), dbSNP rs73632978, ClinGen allele CA10337821.